The following is an entry in ClinVar:

NM_001042492.3(NF1):c.3578T>C (p.Phe1193Ser)

Gene: NF1 (neurofibromin 1; plus strand). Cytogenetic location: 17q11.2.
Variant type: single nucleotide variant.
Coding change: c.3578T>C on transcript NM_001042492.3 (MANE Select); coding-DNA position 3578, T replaced by C.
Protein change: p.Phe1193Ser; replaces phenylalanine 1193 with serine.
Molecular consequence: missense variant.
Genome position (GRCh38, 1-based): chr17:31,233,083, T>C. VCF-style: chr17-31233083-T-C. GRCh37 (hg19) VCF-style: chr17-29560101-T-C.
Other names: c.3578T>C, p.Phe1193Ser (NM_000267.4); short protein forms F1193S.
Identifiers: ClinVar variation 431623 (VCV000431623.5), dbSNP rs199474780, ClinGen allele CA398990143.

ClinVar aggregate classification (germline): Pathogenic. Review status: criteria provided, single submitter (1 of 4 stars). 2 submissions from 2 submitters: Pathogenic (1). 1 of the submissions does not count toward it. Last evaluated 2022-05-14.

Conditions:
Neurofibromatosis, type 1 (NF1). Also called: Neurofibromatosis, type I; NEUROFIBROMATOSIS, TYPE I, SOMATIC; Peripheral type neurofibromatosis; VON RECKLINGHAUSEN DISEASE. Identifiers: Orphanet 636, MedGen C0027831, MONDO:0018975, OMIM 162200. Disease mechanism: loss of function.

Submissions (2):

Labcorp Genetics (formerly Invitae), Labcorp
Classification: Pathogenic for Neurofibromatosis, type 1. Last evaluated: 2022-05-14. Review status: criteria provided, single submitter. Criteria: Invitae Variant Classification Sherloc (09022015). Collection method: clinical testing. Allele origin: germline.
Comment: For these reasons, this variant has been classified as Pathogenic. This variant disrupts the p.Phe1193Cys amino acid residue in NF1. Other variant(s) that disrupt this residue have been determined to be pathogenic (PMID: 11735023). This suggests that this residue is clinically significant, and that variants that disrupt this residue are likely to be disease-causing. Advanced modeling of protein sequence and biophysical properties (such as structural, functional, and spatial information, amino acid conservation, physicochemical variation, residue mobility, and thermodynamic stability) performed at Invitae indicates that this missense variant is expected to disrupt NF1 protein function. This sequence change replaces phenylalanine, which is neutral and non-polar, with serine, which is neutral and polar, at codon 1193 of the NF1 protein (p.Phe1193Ser). ClinVar contains an entry for this variant (Variation ID: 431623). This missense change has been observed in individual(s) with neurofibromatosis type I (PMID: 28961165). In at least one individual the variant was observed to be de novo. This variant is not present in population databases (gnomAD no frequency).

Medical Genetics, University of Parma
Classification: Uncertain significance for Neurofibromatosis type 1. Last evaluated: 2017-02-02. Review status: no assertion criteria provided. Collection method: clinical testing. Allele origin: germline. Affected: yes. Not counted in ClinVar's aggregate classification.

Literature cited by the submitters: PubMed 11735023 (cited by Labcorp Genetics (formerly Invitae), Labcorp); PubMed 28961165 (cited by Labcorp Genetics (formerly Invitae), Labcorp).